The following is an entry in ClinVar:

ClinVar aggregate classification (germline): Likely benign. Review status: criteria provided, multiple submitters, no conflicts (2 of 4 stars). 2 submissions from 2 submitters: Likely benign (2). Last evaluated 2025-10-20.

Conditions:
Hereditary breast ovarian cancer syndrome. Also called: Hereditary breast and ovarian cancer syndrome; Hereditary breast and ovarian cancer; Hereditary breast and ovarian cancer syndrome (HBOC); BRCA1- and BRCA2-Associated Hereditary Breast and Ovarian Cancer; Hereditary breast and/or ovarian cancer syndrome; Breast and ovarian cancer. Identifiers: Orphanet 145, MedGen C0677776, MeSH D061325, MONDO:0003582. Disease mechanism: loss of function.

Submissions (2):

Labcorp Genetics (formerly Invitae), Labcorp
Classification: Likely benign for Hereditary breast ovarian cancer syndrome. Last evaluated: 2025-10-20. Review status: criteria provided, single submitter. Criteria: Invitae Variant Classification Sherloc (09022015). Collection method: clinical testing. Allele origin: germline.

Women's Health and Genetics/Laboratory Corporation of America, LabCorp
Classification: Likely benign. Last evaluated: 2021-03-21. Review status: criteria provided, single submitter. Criteria: LabCorp Variant Classification Summary - May 2015. Collection method: clinical testing. Allele origin: germline.
Comment: Variant summary: BRCA2 c.2157T>C alters a non-conserved nucleotide resulting in a synonymous change. 4/4 computational tools predict no significant impact on normal splicing. However, these predictions have yet to be confirmed by functional studies. The variant was absent in 251224 control chromosomes. The available data on variant occurrences in the general population are insufficient to allow any conclusion about variant significance. To our knowledge, no occurrence of c.2157T>C in individuals affected with Hereditary Breast And Ovarian Cancer Syndrome and no experimental evidence demonstrating its impact on protein function have been reported. No clinical diagnostic laboratories have submitted clinical-significance assessments for this variant to ClinVar after 2014. Based on the evidence outlined above, the variant was classified as likely benign.

NM_000059.4(BRCA2):c.2157T>C (p.Asn719=)

Gene: BRCA2 (BRCA2 DNA repair associated; plus strand). Cytogenetic location: 13q13.1.
Variant type: single nucleotide variant.
Coding change: c.2157T>C on transcript NM_000059.4 (MANE Select); coding-DNA position 2157, T replaced by C.
Protein change: p.Asn719=; no amino-acid change (asparagine 719 retained).
Molecular consequence: synonymous variant.
Genome position (GRCh38, 1-based): chr13:32,336,512, T>C. VCF-style: chr13-32336512-T-C. GRCh37 (hg19) VCF-style: chr13-32910649-T-C.
Identifiers: ClinVar variation 1050832 (VCV001050832.2), dbSNP rs1064797382, ClinGen allele CA483436817.